The following is an entry in ClinVar:

ClinVar aggregate classification (germline): Uncertain significance (1 of 4 stars; one submission).

Allele frequency attached by ClinVar (database versions not stated): gnomAD 0.00001.
gnomAD v4.1: 2 of 1,614,110 alleles (0.00012%); highest among the groups gnomAD compares: South Asian, 0.0022%; no homozygotes.

Submission:

Labcorp Genetics (formerly Invitae), Labcorp
Classification: Uncertain significance. Last evaluated: 2022-05-08. Review status: criteria provided, single submitter. Criteria: Invitae Variant Classification Sherloc (09022015). Collection method: clinical testing. Allele origin: germline.
Comment: In summary, the available evidence is currently insufficient to determine the role of this variant in disease. Therefore, it has been classified as a Variant of Uncertain Significance. Advanced modeling of protein sequence and biophysical properties (such as structural, functional, and spatial information, amino acid conservation, physicochemical variation, residue mobility, and thermodynamic stability) performed at Invitae indicates that this missense variant is expected to disrupt SLC6A19 protein function. This variant has not been reported in the literature in individuals affected with SLC6A19-related conditions. This variant is not present in population databases (gnomAD no frequency). This sequence change replaces leucine, which is neutral and non-polar, with proline, which is neutral and non-polar, at codon 424 of the SLC6A19 protein (p.Leu424Pro).

NM_001003841.3(SLC6A19):c.1271T>C (p.Leu424Pro)

Gene: SLC6A19 (solute carrier family 6 member 19; plus strand). Cytogenetic location: 5p15.33.
Variant type: single nucleotide variant.
Coding change: c.1271T>C on transcript NM_001003841.3 (MANE Select); coding-DNA position 1271, T replaced by C.
Protein change: p.Leu424Pro; replaces leucine 424 with proline.
Molecular consequence: missense variant.
Genome position (GRCh38, 1-based): chr5:1,219,000, T>C. VCF-style: chr5-1219000-T-C. GRCh37 (hg19) VCF-style: chr5-1219115-T-C.
Other names: short protein forms L424P.
Identifiers: ClinVar variation 1925926 (VCV001925926.5), dbSNP rs2126512183, ClinGen allele CA359073455.